The following is an entry in ClinVar:

NM_023068.4(SIGLEC1):c.2352C>G (p.Leu784=)

Gene: SIGLEC1 (sialic acid binding Ig like lectin 1; minus strand). Cytogenetic location: 20p13.
Variant type: single nucleotide variant.
Coding change: c.2352C>G on transcript NM_023068.4 (MANE Select); coding-DNA position 2352, C replaced by G.
Protein change: p.Leu784=; no amino-acid change (leucine 784 retained).
Molecular consequence: synonymous variant.
Genome position (GRCh38, 1-based): chr20:3,697,113, G>C on the plus strand (C>G on the coding strand, the complement: SIGLEC1 is on the minus strand). VCF-style: chr20-3697113-G-C. GRCh37 (hg19) VCF-style: chr20-3677760-G-C.
Other names: c.2352C>G, p.Leu784= (NM_001367089.1).
Identifiers: ClinVar variation 3906068 (VCV003906068.10).

ClinVar aggregate classification (germline): Likely benign (1 of 4 stars; one submission).

gnomAD v4.1: 1 of 1,612,892 alleles (0.000062%); highest among the groups gnomAD compares: Non-Finnish European, 0.000085%; no homozygotes.

Submission:

CeGaT Center for Human Genetics Tuebingen
Classification: Likely benign. Last evaluated: 2025-06-01. Review status: criteria provided, single submitter. Criteria: CeGaT Center For Human Genetics Tuebingen Variant Classification Criteria Version 2. Collection method: clinical testing. Allele origin: germline. Affected: yes. Observed: 1 variant allele.
Comment: SIGLEC1: BP4, BP7